The following is an entry in ClinVar:

NM_002788.4(PSMA3):c.598A>G (p.Ile200Val)

Genes: PSMA3 (proteasome 20S subunit alpha 3; plus strand), PSMA3-AS1 (PSMA3 antisense RNA 1; minus strand). Cytogenetic location: 14q23.1.
Variant type: single nucleotide variant.
Coding change: c.598A>G on transcript NM_002788.4 (MANE Select); coding-DNA position 598, A replaced by G.
Protein change: p.Ile200Val; replaces isoleucine 200 with valine.
Molecular consequence: missense variant. On other transcripts: non-coding transcript variant (1).
Genome position (GRCh38, 1-based): chr14:58,270,425, A>G. VCF-style: chr14-58270425-A-G. GRCh37 (hg19) VCF-style: chr14-58737143-A-G.
Other names: c.577A>G, p.Ile193Val (NM_152132.3); c.598A>G (NM_002788.3); short protein forms I200V, I193V.
Identifiers: ClinVar variation 1443450 (VCV001443450.9), dbSNP rs200984115, ClinGen allele CA7203871.

ClinVar aggregate classification (germline): Uncertain significance. Review status: criteria provided, multiple submitters, no conflicts (2 of 4 stars). 2 submissions from 2 submitters: Uncertain significance (2). Last evaluated 2025-05-19.

Allele frequency attached by ClinVar (database versions not stated): gnomAD exomes 0.00014 and 0.00025; TOPMed 0.00022; gnomAD 0.00028 and 0.00041; ExAC 0.00031.
gnomAD v4.1: 274 of 1,613,446 alleles (0.017%); highest among the groups gnomAD compares: Non-Finnish European, 0.0089%; no homozygotes.

Submissions (2):

Labcorp Genetics (formerly Invitae), Labcorp
Classification: Uncertain significance. Last evaluated: 2025-05-19. Review status: criteria provided, single submitter. Criteria: Invitae Variant Classification Sherloc (09022015). Collection method: clinical testing. Allele origin: germline.
Comment: This sequence change replaces isoleucine, which is neutral and non-polar, with valine, which is neutral and non-polar, at codon 200 of the PSMA3 protein (p.Ile200Val). This variant is present in population databases (rs200984115, gnomAD 0.2%), and has an allele count higher than expected for a pathogenic variant. This variant has not been reported in the literature in individuals affected with PSMA3-related conditions. ClinVar contains an entry for this variant (Variation ID: 1443450). An algorithm developed to predict the effect of missense changes on protein structure and function (PolyPhen-2) suggests that this variant is likely to be tolerated. In summary, the available evidence is currently insufficient to determine the role of this variant in disease. Therefore, it has been classified as a Variant of Uncertain Significance.

Ambry Genetics
Classification: Uncertain significance. Last evaluated: 2021-10-18. Review status: criteria provided, single submitter. Criteria: Ambry Variant Classification Scheme 2023. Collection method: clinical testing. Allele origin: germline.